The following is an entry in ClinVar:

NM_022552.5(DNMT3A):c.482T>A (p.Met161Lys)

Genes: DNMT3A (DNA methyltransferase 3 alpha; minus strand), LOC129933290 (ATAC-STARR-seq lymphoblastoid active region 15445; plus strand). Cytogenetic location: 2p23.3.
Variant type: single nucleotide variant.
Coding change: c.482T>A on transcript NM_022552.5 (MANE Select); coding-DNA position 482, T replaced by A.
Protein change: p.Met161Lys; replaces methionine 161 with lysine.
Molecular consequence: missense variant. On other transcripts: non-coding transcript variant (1).
Genome position (GRCh38, 1-based): chr2:25,275,510, A>T on the plus strand (T>A on the coding strand, the complement: DNMT3A is on the minus strand). VCF-style: chr2-25275510-A-T. GRCh37 (hg19) VCF-style: chr2-25498379-A-T.
Other names: c.482T>A, p.Met161Lys (NM_175629.2); short protein forms M161K.
Identifiers: ClinVar variation 2844336 (VCV002844336.3), dbSNP rs2031331537, ClinGen allele CA346083217.

ClinVar aggregate classification (germline): Uncertain significance (1 of 4 stars; one submission).

Conditions:
Tatton-Brown-Rahman overgrowth syndrome. Also called: Tatton-Brown-Rahman syndrome; Tall stature-intellectual disability-facial dysmorphism syndrome. Identifiers: Orphanet 404443, MedGen C4014545, MONDO:0014382, OMIM 615879.

Submission:

Labcorp Genetics (formerly Invitae), Labcorp
Classification: Uncertain significance for Tatton-Brown-Rahman overgrowth syndrome. Last evaluated: 2023-09-13. Review status: criteria provided, single submitter. Criteria: Invitae Variant Classification Sherloc (09022015). Collection method: clinical testing. Allele origin: germline.
Comment: This sequence change replaces methionine, which is neutral and non-polar, with lysine, which is basic and polar, at codon 161 of the DNMT3A protein (p.Met161Lys). This variant is not present in population databases (gnomAD no frequency). This variant has not been reported in the literature in individuals affected with DNMT3A-related conditions. An algorithm developed to predict the effect of missense changes on protein structure and function (PolyPhen-2) suggests that this variant is likely to be tolerated. In summary, the available evidence is currently insufficient to determine the role of this variant in disease. Therefore, it has been classified as a Variant of Uncertain Significance.